The following is an entry in ClinVar:

NM_006424.3(SLC34A2):c.818del (p.Lys273fs)

Gene: SLC34A2 (solute carrier family 34 member 2; plus strand). Cytogenetic location: 4p15.2.
Variant type: Deletion.
Coding change: c.818del on transcript NM_006424.3 (MANE Select); coding-DNA position 818, one base deleted (A; older notation c.818delA).
Protein change: p.Lys273fs; shifts the reading frame from lysine 273.
Molecular consequence: frameshift variant.
Genome position (GRCh38, 1-based): chr4:25,669,829, A deleted; the last of 3 consecutive A bases (chr4:25,669,827-25,669,829); deleting any one gives the same sequence. VCF-style (leftmost placement, unchanged base first): chr4-25669826-CA-C. GRCh37 (hg19) VCF-style: chr4-25671448-CA-C.
Other names: c.815del, p.Lys272fs (NM_001177998.2, NM_001177999.2); short protein forms K272fs, K273fs.
Identifiers: ClinVar variation 2417674 (VCV002417674.6), dbSNP rs757175092, ClinGen allele CA2879577.

ClinVar aggregate classification (germline): Pathogenic (1 of 4 stars; one submission).

Submission:

Labcorp Genetics (formerly Invitae), Labcorp
Classification: Pathogenic. Last evaluated: 2023-05-20. Review status: criteria provided, single submitter. Criteria: Invitae Variant Classification Sherloc (09022015). Collection method: clinical testing. Allele origin: germline.
Comment: For these reasons, this variant has been classified as Pathogenic. ClinVar contains an entry for this variant (Variation ID: 2417674). This variant has not been reported in the literature in individuals affected with SLC34A2-related conditions. This variant is present in population databases (rs757175092, gnomAD 0.06%). This sequence change creates a premature translational stop signal (p.Lys273Serfs*16) in the SLC34A2 gene. It is expected to result in an absent or disrupted protein product. Loss-of-function variants in SLC34A2 are known to be pathogenic (PMID: 16960801).

Literature cited by the submitters: PubMed 16960801.